The following is an entry in ClinVar:

NM_000214.3(JAG1):c.343A>G (p.Asn115Asp)

Gene: JAG1 (jagged canonical Notch ligand 1; minus strand). Cytogenetic location: 20p12.2.
Variant type: single nucleotide variant.
Coding change: c.343A>G on transcript NM_000214.3 (MANE Select); coding-DNA position 343, A replaced by G.
Protein change: p.Asn115Asp; replaces asparagine 115 with aspartic acid.
Molecular consequence: missense variant.
Genome position (GRCh38, 1-based): chr20:10,672,745, T>C on the plus strand (A>G on the coding strand, the complement: JAG1 is on the minus strand). VCF-style: chr20-10672745-T-C. GRCh37 (hg19) VCF-style: chr20-10653393-T-C.
Other names: short protein forms N115D.
Identifiers: ClinVar variation 1426252 (VCV001426252.8), dbSNP rs2122644398, ClinGen allele CA408242531.

ClinVar aggregate classification (germline): Uncertain significance (1 of 4 stars; one submission).

Conditions:
Alagille syndrome due to a JAG1 point mutation. Also called: HEPATIC DUCTULAR HYPOPLASIA, SYNDROMATIC; Alagille Syndrome 1; JAG1-Related Alagille Syndrome. Identifiers: Orphanet 261619, Orphanet 52, MedGen C1956125, MONDO:0016862, OMIM 118450.

Submission:

Labcorp Genetics (formerly Invitae), Labcorp
Classification: Uncertain significance for Alagille syndrome due to a JAG1 point mutation. Last evaluated: 2022-02-10. Review status: criteria provided, single submitter. Criteria: Invitae Variant Classification Sherloc (09022015). Collection method: clinical testing. Allele origin: germline.
Comment: In summary, the available evidence is currently insufficient to determine the role of this variant in disease. Therefore, it has been classified as a Variant of Uncertain Significance. Advanced modeling of protein sequence and biophysical properties (such as structural, functional, and spatial information, amino acid conservation, physicochemical variation, residue mobility, and thermodynamic stability) performed at Invitae indicates that this missense variant is not expected to disrupt JAG1 protein function. This variant has not been reported in the literature in individuals affected with JAG1-related conditions. This variant is not present in population databases (gnomAD no frequency). This sequence change replaces asparagine, which is neutral and polar, with aspartic acid, which is acidic and polar, at codon 115 of the JAG1 protein (p.Asn115Asp).